The following is an entry in ClinVar:

ClinVar aggregate classification (germline): Uncertain significance. Review status: criteria provided, multiple submitters, no conflicts (2 of 4 stars). 4 submissions from 4 submitters: Uncertain significance (4). Last evaluated 2025-08-27.

Conditions:
Familial adenomatous polyposis 2. Also called: COLORECTAL ADENOMATOUS POLYPOSIS, AUTOSOMAL RECESSIVE; ADENOMAS, MULTIPLE COLORECTAL, AUTOSOMAL RECESSIVE; MUTYH-associated polyposis; MUTYH-related attenuated familial adenomatous polyposis; MUTYH Polyposis; Adenomas, multiple colorectal. Identifiers: Orphanet 220460, Orphanet 247798, MedGen C3272841, MONDO:0012041, OMIM 608456.
Hereditary cancer-predisposing syndrome. Also called: Neoplastic Syndromes, Hereditary; Hereditary Cancer Syndrome; Tumor predisposition; Hereditary neoplastic syndrome. Identifiers: Orphanet 140162, MedGen C0027672, MeSH D009386, MONDO:0015356.

Submissions (4):

Ambry Genetics
Classification: Uncertain significance for Hereditary cancer-predisposing syndrome. Last evaluated: 2025-08-27. Review status: criteria provided, single submitter. Criteria: Ambry Variant Classification Scheme 2023. Collection method: clinical testing. Allele origin: germline.
Comment: The p.T464I variant (also known as c.1391C>T), located in coding exon 14 of the MUTYH gene, results from a C to T substitution at nucleotide position 1391. The threonine at codon 464 is replaced by isoleucine, an amino acid with similar properties. This amino acid position is conserved. In addition, this alteration is predicted to be tolerated by in silico analysis. Based on the available evidence, the clinical significance of this variant remains unclear.

Labcorp Genetics (formerly Invitae), Labcorp
Classification: Uncertain significance for Familial adenomatous polyposis 2. Last evaluated: 2025-07-02. Review status: criteria provided, single submitter. Criteria: Invitae Variant Classification Sherloc (09022015). Collection method: clinical testing. Allele origin: germline.
Comment: This sequence change replaces threonine, which is neutral and polar, with isoleucine, which is neutral and non-polar, at codon 464 of the MUTYH protein (p.Thr464Ile). This variant is not present in population databases (gnomAD no frequency). This variant has not been reported in the literature in individuals affected with MUTYH-related conditions. ClinVar contains an entry for this variant (Variation ID: 630940). An algorithm developed to predict the effect of missense changes on protein structure and function outputs the following: PolyPhen-2: "Benign". The isoleucine amino acid residue is found in multiple mammalian species, which suggests that this missense change does not adversely affect protein function. In summary, the available evidence is currently insufficient to determine the role of this variant in disease. Therefore, it has been classified as a Variant of Uncertain Significance.

Color Diagnostics, LLC DBA Color Health
Classification: Uncertain significance for Hereditary cancer-predisposing syndrome. Last evaluated: 2023-12-05. Review status: criteria provided, single submitter. Criteria: ACMG Guidelines, 2015. Collection method: clinical testing. Allele origin: germline.
Comment: This missense variant replaces threonine with isoleucine at codon 464 of the MUTYH protein. Computational prediction suggests that this variant may not impact protein structure and function (internally defined REVEL score threshold <= 0.5, PMID: 27666373). To our knowledge, functional studies have not been reported for this variant. This variant has not been reported in individuals affected with MUTYH-related disorders in the literature. This variant has not been identified in the general population by the Genome Aggregation Database (gnomAD). The available evidence is insufficient to determine the role of this variant in disease conclusively. Therefore, this variant is classified as a Variant of Uncertain Significance.

All of Us Research Program, National Institutes of Health
Classification: Uncertain significance for Familial adenomatous polyposis 2. Last evaluated: 2023-03-28. Review status: criteria provided, single submitter. Criteria: ACMG Guidelines, 2015. Collection method: clinical testing. Allele origin: germline. Inheritance: Autosomal recessive inheritance. Observed: 1 variant allele, 1 heterozygote.
Comment: This study involves interpretation of variants in research participants for the purpose of population health screening. Participant phenotype was not available at the time of variant classification. Additional details can be found in publication PMID: 35346344, PMCID: PMC8962531

NM_001048174.2(MUTYH):c.1307C>T (p.Thr436Ile)

Gene: MUTYH (mutY DNA glycosylase; minus strand). Cytogenetic location: 1p34.1.
Variant type: single nucleotide variant.
Coding change: c.1307C>T on transcript NM_001048174.2 (MANE Select); coding-DNA position 1307, C replaced by T.
Protein change: p.Thr436Ile; replaces threonine 436 with isoleucine.
Molecular consequence: missense variant. On other transcripts: non-coding transcript variant (2).
Genome position (GRCh38, 1-based): chr1:45,331,267, G>A on the plus strand (C>T on the coding strand, the complement: MUTYH is on the minus strand). VCF-style: chr1-45331267-G-A. GRCh37 (hg19) VCF-style: chr1-45796939-G-A.
Other names: c.1307C>T, p.Thr436Ile (NM_001048171.2, NM_001048173.2, NM_001293195.2); c.1310C>T, p.Thr437Ile (NM_001048172.2); c.1391C>T, p.Thr464Ile (NM_001128425.2); c.1352C>T, p.Thr451Ile (NM_001293190.2); c.1340C>T, p.Thr447Ile (NM_001293191.2); c.1031C>T, p.Thr344Ile (NM_001293192.2, NM_001293196.2); c.962C>T, p.Thr321Ile (NM_001350650.2, NM_001350651.2); c.1382C>T, p.Thr461Ile (NM_012222.3); short protein forms T464I, T437I, T461I, T321I, T436I, T447I, T344I, T451I.
Identifiers: ClinVar variation 630940 (VCV000630940.8), dbSNP rs1557457133, ClinGen allele CA340132663.